The following is an entry in ClinVar:

ClinVar aggregate classification (germline): Likely pathogenic (1 of 4 stars; one submission).

Conditions:
Dilated cardiomyopathy 1G (CMD1G). Identifiers: Orphanet 154, MedGen C1858763, MONDO:0011400, OMIM 604145.
Autosomal recessive limb-girdle muscular dystrophy type 2J (LGMDR10). Also called: Limb-girdle muscular dystrophy, type 2J; MUSCULAR DYSTROPHY, LIMB-GIRDLE, AUTOSOMAL RECESSIVE 10. Identifiers: Orphanet 140922, MedGen C1837342, MONDO:0012127, OMIM 608807.

Submission:

Labcorp Genetics (formerly Invitae), Labcorp
Classification: Likely pathogenic for Dilated cardiomyopathy 1G; Autosomal recessive limb-girdle muscular dystrophy type 2J. Last evaluated: 2020-01-11. Review status: criteria provided, single submitter. Criteria: Invitae Variant Classification Sherloc (09022015). Collection method: clinical testing. Allele origin: germline.
Comment: This sequence change results in a premature translational stop signal in the TTN gene (p.Val26348Leufs*5). While this is not anticipated to result in nonsense mediated decay, it is expected to create a truncated TTN protein. This variant has not been reported in the literature in individuals with TTN-related conditions. This variant is located in the A band of TTN (PMID: 25589632). Truncating variants in this region are significantly overrepresented in patients affected with dilated cardiomyopathy (PMID: 25589632). Truncating variants in this region have also been reported in individuals affected with autosomal recessive centronuclear myopathy (PMID: 23975875). In summary, the currently available evidence indicates that the variant is pathogenic, but additional data are needed to prove that conclusively. Therefore, this variant has been classified as Likely Pathogenic. This variant is not present in population databases (ExAC no frequency).

Literature cited by the submitters: PubMed 25589632; PubMed 23975875.

NM_001267550.2(TTN):c.79041del (p.Val26348fs)

Genes: TTN-AS1 (TTN antisense RNA 1; plus strand), TTN (titin; minus strand). Cytogenetic location: 2q31.2.
Variant type: Deletion.
Coding change: c.79041del on transcript NM_001267550.2 (MANE Select); coding-DNA position 79041, one base deleted (A; older notation c.79041delA).
Protein change: p.Val26348fs; shifts the reading frame from valine 26348.
Molecular consequence: frameshift variant.
Genome position (GRCh38, 1-based): chr2:178,567,091, T deleted on the plus strand (A on the coding strand, the reverse complement: TTN is on the minus strand); the first of 3 consecutive T bases (chr2:178,567,091-178,567,093); deleting any one gives the same sequence. VCF-style (leftmost placement, unchanged base first): chr2-178567090-CT-C. GRCh37 (hg19) VCF-style: chr2-179431817-CT-C.
Other names: c.74118del, p.Val24707fs (NM_001256850.1); c.51846del, p.Val17283fs (NM_003319.4); c.71337del, p.Val23780fs (NM_133378.4); c.52221del, p.Val17408fs (NM_133432.3); c.52422del, p.Val17475fs (NM_133437.4); short protein forms V17408fs, V17475fs, V23780fs, V24707fs, V17283fs, V26348fs.
Identifiers: ClinVar variation 859130 (VCV000859130.10), dbSNP rs1706189208, ClinGen allele CA916081326.